The following is an entry in ClinVar:

ClinVar aggregate classification (germline): Likely benign (1 of 4 stars; one submission).

Allele frequency attached by ClinVar (database versions not stated): TOPMed 0.00004; gnomAD exomes 0.00005; gnomAD 0.00006; ExAC 0.00007.
gnomAD v4.1: 78 of 1,581,520 alleles (0.0049%); highest among the groups gnomAD compares: Middle Eastern, 0.017%; no homozygotes.

Submission:

CeGaT Center for Human Genetics Tuebingen
Classification: Likely benign. Last evaluated: 2023-08-01. Review status: criteria provided, single submitter. Criteria: CeGaT Center For Human Genetics Tuebingen Variant Classification Criteria Version 2. Collection method: clinical testing. Allele origin: germline. Affected: yes. Observed: 1 variant allele.
Comment: SLC45A1: BP4, BP7

NM_001080397.3(SLC45A1):c.393C>T (p.Ile131=)

Gene: SLC45A1 (solute carrier family 45 member 1; plus strand). Cytogenetic location: 1p36.23.
Variant type: single nucleotide variant.
Coding change: c.393C>T on transcript NM_001080397.3 (MANE Select); coding-DNA position 393, C replaced by T.
Protein change: p.Ile131=; no amino-acid change (isoleucine 131 retained).
Molecular consequence: synonymous variant. On other transcripts: intron variant (2).
Genome position (GRCh38, 1-based): chr1:8,324,722, C>T. VCF-style: chr1-8324722-C-T. GRCh37 (hg19) VCF-style: chr1-8384782-C-T.
Other names: c.393C>T, p.Ile131= (NM_001379614.1, NM_001379615.1, NM_001379616.1); c.-116-1096C>T (NM_001379617.1, NM_001379618.1).
Identifiers: ClinVar variation 2638149 (VCV002638149.24), dbSNP rs745493077, ClinGen allele CA570055.